The following is an entry in ClinVar:

NM_017654.4(SAMD9):c.4388C>A (p.Ser1463Tyr)

Gene: SAMD9 (sterile alpha motif domain containing 9; minus strand). Cytogenetic location: 7q21.2.
Variant type: single nucleotide variant.
Coding change: c.4388C>A on transcript NM_017654.4 (MANE Select); coding-DNA position 4388, C replaced by A.
Protein change: p.Ser1463Tyr; replaces serine 1463 with tyrosine.
Molecular consequence: missense variant.
Genome position (GRCh38, 1-based): chr7:93,101,710, G>T on the plus strand (C>A on the coding strand, the complement: SAMD9 is on the minus strand). VCF-style: chr7-93101710-G-T. GRCh37 (hg19) VCF-style: chr7-92731023-G-T.
Other names: c.4388C>A, p.Ser1463Tyr (NM_001193307.2); short protein forms S1463Y.
Identifiers: ClinVar variation 1499931 (VCV001499931.5), dbSNP rs1398631669, ClinGen allele CA368179119.

ClinVar aggregate classification (germline): Uncertain significance (1 of 4 stars; one submission).

Allele frequency attached by ClinVar (database versions not stated): gnomAD exomes below 0.00001 and 0.00001.
gnomAD v4.1: 6 of 1,613,698 alleles (0.00037%); highest among the groups gnomAD compares: Middle Eastern, 0.016%; no homozygotes.

Submission:

Labcorp Genetics (formerly Invitae), Labcorp
Classification: Uncertain significance. Last evaluated: 2025-03-11. Review status: criteria provided, single submitter. Criteria: Invitae Variant Classification Sherloc (09022015). Collection method: clinical testing. Allele origin: germline.
Comment: This sequence change replaces serine, which is neutral and polar, with tyrosine, which is neutral and polar, at codon 1463 of the SAMD9 protein (p.Ser1463Tyr). This variant is present in population databases (no rsID available, gnomAD 0.004%). This variant has not been reported in the literature in individuals affected with SAMD9-related conditions. ClinVar contains an entry for this variant (Variation ID: 1499931). Invitae Evidence Modeling of protein sequence and biophysical properties (such as structural, functional, and spatial information, amino acid conservation, physicochemical variation, residue mobility, and thermodynamic stability) indicates that this missense variant is not expected to disrupt SAMD9 protein function with a negative predictive value of 95%. In summary, the available evidence is currently insufficient to determine the role of this variant in disease. Therefore, it has been classified as a Variant of Uncertain Significance.